The following is an entry in ClinVar:

NM_006904.7(PRKDC):c.908A>G (p.His303Arg)

Gene: PRKDC (protein kinase, DNA-activated, catalytic subunit; minus strand). Cytogenetic location: 8q11.21.
Variant type: single nucleotide variant.
Coding change: c.908A>G on transcript NM_006904.7 (MANE Select); coding-DNA position 908, A replaced by G.
Protein change: p.His303Arg; replaces histidine 303 with arginine.
Molecular consequence: missense variant.
Genome position (GRCh38, 1-based): chr8:47,943,267, T>C on the plus strand (A>G on the coding strand, the complement: PRKDC is on the minus strand). VCF-style: chr8-47943267-T-C. GRCh37 (hg19) VCF-style: chr8-48855827-T-C.
Other names: c.908A>G, p.His303Arg (NM_001081640.2); short protein forms H303R.
Identifiers: ClinVar variation 2564559 (VCV002564559.2), dbSNP rs1476604896, ClinGen allele CA371136109.
Genomic context (GRCh38, chr8:47,943,267, plus strand): 5'-ACCTGTTTCAGAAAGGATTCCAGGGCTGAAAGTGCAGCTTTTTTCAATTCTACATTTGTG[T>C]GGGCACACCACTTTAACAAGACTTCAAATAGAGACACGTAGTTGTCCAGAAGGCAGGTGC-3'
Protein context (NP_008835.5, residues 293-313): LFEVLLKWCA[His303Arg]TNVELKKAAL

ClinVar aggregate classification (germline): Uncertain significance (1 of 4 stars; one submission).

Allele frequency attached by ClinVar (database versions not stated): TOPMed below 0.00001.

Submission:

Ambry Genetics
Classification: Uncertain significance. Last evaluated: 2023-05-23. Review status: criteria provided, single submitter. Criteria: Ambry Variant Classification Scheme 2023. Collection method: clinical testing. Allele origin: germline.
Comment: The p.H303R variant (also known as c.908A>G), located in coding exon 10 of the PRKDC gene, results from an A to G substitution at nucleotide position 908. The histidine at codon 303 is replaced by arginine, an amino acid with highly similar properties. This amino acid position is conserved. In addition, the in silico prediction for this alteration is inconclusive. Since supporting evidence is limited at this time, the clinical significance of this alteration remains unclear.